The following is an entry in ClinVar:

ClinVar aggregate classification (germline): Uncertain significance (1 of 4 stars; one submission).

Submission:

Labcorp Genetics (formerly Invitae), Labcorp
Classification: Uncertain significance. Last evaluated: 2024-10-29. Review status: criteria provided, single submitter. Criteria: Invitae Variant Classification Sherloc (09022015). Collection method: clinical testing. Allele origin: germline.
Comment: This sequence change replaces proline, which is neutral and non-polar, with threonine, which is neutral and polar, at codon 116 of the CTF1 protein (p.Pro116Thr). The frequency data for this variant in the population databases is considered unreliable, as metrics indicate insufficient coverage at this position in the gnomAD database. This variant has not been reported in the literature in individuals affected with CTF1-related conditions. ClinVar contains an entry for this variant (Variation ID: 478117). Experimental studies and prediction algorithms are not available or were not evaluated, and the functional significance of this variant is currently unknown. In summary, the available evidence is currently insufficient to determine the role of this variant in disease. Therefore, it has been classified as a Variant of Uncertain Significance.

NM_001330.5(CTF1):c.345_346delinsAA (p.Pro116Thr)

Genes: CTF1 (cardiotrophin 1; plus strand), LOC130058878 (ATAC-STARR-seq lymphoblastoid silent region 7400; plus strand). Cytogenetic location: 16p11.2.
Variant type: Indel.
Coding change: c.345_346delinsAA on transcript NM_001330.5 (MANE Select); coding-DNA positions 345 to 346, GC replaced by AA.
Protein change: p.Pro116Thr; replaces proline 116 with threonine.
Molecular consequence: missense variant. On other transcripts: non-coding transcript variant (1).
Genome position (GRCh38, 1-based): chr16:30,902,278-30,902,279, GC replaced by AA. VCF-style: chr16-30902278-GC-AA. GRCh37 (hg19) VCF-style: chr16-30913599-GC-AA.
Other names: c.342_343delinsAA, p.Pro115Thr (NM_001142544.3); c.345_346delGCinsAA (NM_001330.3); short protein forms P115T, P116T.
Identifiers: ClinVar variation 478117 (VCV000478117.7), dbSNP rs1555485191, ClinGen allele CA658658466.